The following is an entry in ClinVar:

ClinVar aggregate classification (germline): Pathogenic (1 of 4 stars; one submission).

Conditions:
Aspartylglucosaminuria (AGU). Also called: AGA DEFICIENCY; GLYCOASPARAGINASE; GLYCOSYLASPARAGINASE DEFICIENCY; Aspartylglucos-aminuria; Aspartylglucos-amidase (AGA) deficiency. Identifiers: Orphanet 93, MedGen C0268225, MONDO:0008830, OMIM 208400, HP:0012068.

Submission:

Labcorp Genetics (formerly Invitae), Labcorp
Classification: Pathogenic for Aspartylglucosaminuria. Last evaluated: 2023-10-30. Review status: criteria provided, single submitter. Criteria: Invitae Variant Classification Sherloc (09022015). Collection method: clinical testing. Allele origin: unknown.
Comment: This variant is a gross deletion of the genomic region encompassing exon(s) 4-9 of the AGA gene, which includes the termination codon. This deletion extends beyond the assayed region for this gene and therefore may encompass additional genes. While this deletion is not anticipated to lead to nonsense mediated decay, it is expected to alter mRNA translation or result in a truncated protein product. This variant has not been reported in the literature in individuals affected with AGA-related conditions. This variant disrupts a region of the AGA protein in which other variant(s) (p.Cys163Ser) have been determined to be pathogenic (PMID: 1703489, 1904874, 2011603, 7627186, 11309371, 21228398). This suggests that this is a clinically significant region of the protein, and that variants that disrupt it are likely to be disease-causing. For these reasons, this variant has been classified as Pathogenic.

Literature cited by the submitters: PubMed 1703489; PubMed 1904874; PubMed 2011603; PubMed 7627186; PubMed 11309371; PubMed 21228398.

NC_000004.11:g.(?_178352862)_(178360031_?)del

Gene: AGA (aspartylglucosaminidase; minus strand). Cytogenetic location: 4q34.3.
Variant type: Deletion.
Identifiers: ClinVar variation 3246600 (VCV003246600.1).